The following is an entry in ClinVar:

ClinVar aggregate classification (germline): Benign/Likely benign. Review status: criteria provided, multiple submitters, no conflicts (2 of 4 stars). 3 submissions from 3 submitters: Benign (1); Likely benign (2). Last evaluated 2025-02-04.

Conditions:
Hereditary cancer-predisposing syndrome. Also called: Tumor predisposition; Hereditary Cancer Syndrome; Neoplastic Syndromes, Hereditary; Hereditary neoplastic syndrome. Identifiers: Orphanet 140162, MedGen C0027672, MeSH D009386, MONDO:0015356.
Hereditary nonpolyposis colorectal neoplasms. Identifiers: MedGen C0009405, MeSH D003123.
Lynch syndrome 4 (LYNCH4). Also called: Colorectal cancer, hereditary nonpolyposis, type 4; Hereditary non-polyposis colorectal cancer, type 4. Identifiers: Orphanet 144, MedGen C1838333, MONDO:0013699, OMIM 614337. Disease mechanism: loss of function.

Submissions (3):

Myriad Genetics, Inc.
Classification: Benign for Lynch syndrome 4. Last evaluated: 2025-02-04. Review status: criteria provided, single submitter. Criteria: Myriad Autosomal Dominant, Autosomal Recessive and X-Linked Classification Criteria (2023). Collection method: clinical testing. Allele origin: unknown.
Comment: This variant is considered benign. This variant is a silent/synonymous amino acid change and it is not expected to impact splicing.

Labcorp Genetics (formerly Invitae), Labcorp
Classification: Likely benign for Hereditary nonpolyposis colorectal neoplasms. Last evaluated: 2023-09-19. Review status: criteria provided, single submitter. Criteria: Invitae Variant Classification Sherloc (09022015). Collection method: clinical testing. Allele origin: germline.

Ambry Genetics
Classification: Likely benign for Hereditary cancer-predisposing syndrome. Last evaluated: 2021-12-20. Review status: criteria provided, single submitter. Criteria: Ambry Variant Classification Scheme 2023. Collection method: clinical testing. Allele origin: germline.

NM_000535.7(PMS2):c.2574C>A (p.Val858=)

Gene: PMS2 (PMS1 homolog 2, mismatch repair system component; minus strand). Cytogenetic location: 7p22.1.
Variant type: single nucleotide variant.
Coding change: c.2574C>A on transcript NM_000535.7 (MANE Select); coding-DNA position 2574, C replaced by A.
Protein change: p.Val858=; no amino-acid change (valine 858 retained).
Molecular consequence: synonymous variant. On other transcripts: non-coding transcript variant (1).
Genome position (GRCh38, 1-based): chr7:5,973,414, G>T on the plus strand (C>A on the coding strand, the complement: PMS2 is on the minus strand). VCF-style: chr7-5973414-G-T. GRCh37 (hg19) VCF-style: chr7-6013045-G-T.
Other names: c.2169C>A, p.Val723= (NM_001018040.1, NM_001322003.2, NM_001322004.2 and 12 more transcripts); c.2418C>A, p.Val806= (NM_001322006.2); c.2256C>A, p.Val752= (NM_001322007.2, NM_001322008.2, NM_001406883.1); c.2202C>A, p.Val734= (NM_001322009.2, NM_001406887.1, NM_001406888.1); c.2013C>A, p.Val671= (NM_001322010.2, NM_001406906.1, NM_001406907.1); c.1641C>A, p.Val547= (NM_001322011.2, NM_001322012.2); c.2001C>A, p.Val667= (NM_001322013.2, NM_001406908.1, NM_001406909.1); c.2607C>A, p.Val869= (NM_001322014.2); and 20 more.
Identifiers: ClinVar variation 1793287 (VCV001793287.6), dbSNP rs1174998538, ClinGen allele CA453641987.